The following is an entry in ClinVar:

NM_001252102.2(KIF21B):c.3736C>G (p.Pro1246Ala)

Gene: KIF21B (kinesin family member 21B; minus strand). Cytogenetic location: 1q32.1.
Variant type: single nucleotide variant.
Coding change: c.3736C>G on transcript NM_001252102.2 (MANE Select); coding-DNA position 3736, C replaced by G.
Protein change: p.Pro1246Ala; replaces proline 1246 with alanine.
Molecular consequence: missense variant.
Genome position (GRCh38, 1-based): chr1:200,984,926, G>C on the plus strand (C>G on the coding strand, the complement: KIF21B is on the minus strand). VCF-style: chr1-200984926-G-C. GRCh37 (hg19) VCF-style: chr1-200954054-G-C.
Other names: c.3736C>G, p.Pro1246Ala (NM_001252100.2, NM_001252103.2, NM_017596.4); short protein forms P1246A.
Identifiers: ClinVar variation 3343305 (VCV003343305.1).

ClinVar aggregate classification (germline): Uncertain significance (1 of 4 stars; one submission).

Submission:

GeneDx
Classification: Uncertain significance. Last evaluated: 2023-05-02. Review status: criteria provided, single submitter. Criteria: GeneDx Variant Classification Process June 2021. Collection method: clinical testing. Allele origin: germline. Affected: yes.
Comment: Not observed at significant frequency in large population cohorts (gnomAD); In silico analysis supports that this missense variant does not alter protein structure/function; Has not been previously published as pathogenic or benign to our knowledge